The following is an entry in ClinVar:

ClinVar aggregate classification (germline): Likely pathogenic. Review status: criteria provided, single submitter (1 of 4 stars). 2 submissions from 2 submitters: Likely pathogenic (1). 1 of the submissions does not count toward it.

Conditions:
Arthrogryposis. Identifiers: MedGen C0003886, MONDO:0008779.

Submissions (2):

Suma Genomics
Classification: Likely pathogenic for Arthrogryposis. Review status: criteria provided, single submitter. Criteria: ACMG Guidelines, 2015. Collection method: clinical testing. Allele origin: de novo. Inheritance: Autosomal dominant inheritance. Affected: yes. Observed: 1 heterozygote.
Comment: A missense variant c.1121G>A, p.(Arg374His) is observed in exon 7 of ACTC1 in heterozygous state. This variant is not observed in the gnomAD database. This variant is reported in the ClinVar database as pathogenic (ClinVar id. 2579718). Recently, a published report indicated monoallelic variants in ACTC1 are associated with arthrogryposis (PMID: 36945405). In this report, three individuals with arthrogryposis were found to have de novo variants in ACTC1.

Istanbul Faculty of Medicine, Istanbul University
Classification: Pathogenic for Arthrogryposis. Last evaluated: 2023-07-20. Review status: no assertion criteria provided. Collection method: clinical testing. Allele origin: de novo. Affected: yes. Observed: 1 variant allele. Not counted in ClinVar's aggregate classification.
Comment: This is a newly identified gene and a recently reported variant in distal arthrogryposis and cardiac defects (PMID: 36945405).

Literature cited by the submitters: PubMed 36945405 (cited by Istanbul Faculty of Medicine, Istanbul University).

NM_005159.5(ACTC1):c.1121G>A (p.Arg374His)

Genes: ACTC1 (actin alpha cardiac muscle 1; minus strand), GJD2-DT (GJD2 divergent transcript; plus strand). Cytogenetic location: 15q14.
Variant type: single nucleotide variant.
Coding change: c.1121G>A on transcript NM_005159.5 (MANE Select); coding-DNA position 1121, G replaced by A.
Protein change: p.Arg374His; replaces arginine 374 with histidine.
Molecular consequence: missense variant.
Genome position (GRCh38, 1-based): chr15:34,790,425, C>T on the plus strand (G>A on the coding strand, the complement: ACTC1 is on the minus strand). VCF-style: chr15-34790425-C-T. GRCh37 (hg19) VCF-style: chr15-35082626-C-T.
Other names: c.1121G>A, p.Arg374His (NM_001406482.1, NM_001406483.1); c.986G>A, p.Arg329His (NM_001406484.1); c.680G>A, p.Arg227His (NM_001406485.1); short protein forms R227H, R329H, R374H.
Identifiers: ClinVar variation 2579718 (VCV002579718.3), dbSNP rs2504175858, ClinGen allele CA391628507.